The following is an entry in ClinVar:

NM_000057.4(BLM):c.2764C>T (p.Leu922Phe)

Gene: BLM (BLM RecQ like helicase; plus strand). Cytogenetic location: 15q26.1.
Variant type: single nucleotide variant.
Coding change: c.2764C>T on transcript NM_000057.4 (MANE Select); coding-DNA position 2764, C replaced by T.
Protein change: p.Leu922Phe; replaces leucine 922 with phenylalanine.
Molecular consequence: missense variant.
Genome position (GRCh38, 1-based): chr15:90,785,022, C>T. VCF-style: chr15-90785022-C-T. GRCh37 (hg19) VCF-style: chr15-91328252-C-T.
Other names: c.2764C>T, p.Leu922Phe (NM_001287246.2, NM_001287247.2); c.1639C>T, p.Leu547Phe (NM_001287248.2); short protein forms L547F, L922F.
Identifiers: ClinVar variation 3991677 (VCV003991677.1).

ClinVar aggregate classification (germline): Uncertain significance (1 of 4 stars; one submission).

Conditions:
Hereditary cancer-predisposing syndrome. Also called: Tumor predisposition; Hereditary neoplastic syndrome; Neoplastic Syndromes, Hereditary; Hereditary Cancer Syndrome. Identifiers: Orphanet 140162, MedGen C0027672, MeSH D009386, MONDO:0015356.

Submission:

Ambry Genetics
Classification: Uncertain significance for Hereditary cancer-predisposing syndrome. Last evaluated: 2025-05-23. Review status: criteria provided, single submitter. Criteria: Ambry Variant Classification Scheme 2023. Collection method: clinical testing. Allele origin: germline.
Comment: The p.L922F variant (also known as c.2764C>T), located in coding exon 13 of the BLM gene, results from a C to T substitution at nucleotide position 2764. The leucine at codon 922 is replaced by phenylalanine, an amino acid with highly similar properties. This amino acid position is conserved. In addition, this alteration is predicted to be deleterious by in silico analysis. Based on the available evidence, the clinical significance of this variant remains unclear.